The following is an entry in ClinVar:

ClinVar aggregate classification (germline): Uncertain significance. Review status: criteria provided, multiple submitters, no conflicts (2 of 4 stars). 2 submissions from 2 submitters: Uncertain significance (2). Last evaluated 2024-11-30.

Conditions:
Cardiovascular phenotype. Identifiers: MedGen CN230736.
Arrhythmogenic right ventricular dysplasia 10. Also called: Arrhythmogenic Right Ventricular Dysplasia/Cardiomyopathy10; ARRHYTHMOGENIC RIGHT VENTRICULAR DYSPLASIA, FAMILIAL, 10; Arrhythmogenic right ventricular dysplasia/cardiomyopathy, type 10. Identifiers: MedGen C1857777, MONDO:0012434, OMIM 610193.

Allele frequency attached by ClinVar (database versions not stated): gnomAD 0.00001; TOPMed 0.00002.
gnomAD v4.1: 3 of 1,613,860 alleles (0.00019%); highest among the groups gnomAD compares: African/African-American, 0.0027%; no homozygotes.

Submissions (2):

Labcorp Genetics (formerly Invitae), Labcorp
Classification: Uncertain significance for Arrhythmogenic right ventricular dysplasia 10. Last evaluated: 2024-11-30. Review status: criteria provided, single submitter. Criteria: Invitae Variant Classification Sherloc (09022015). Collection method: clinical testing. Allele origin: germline.
Comment: This sequence change replaces glutamic acid, which is acidic and polar, with alanine, which is neutral and non-polar, at codon 273 of the DSG2 protein (p.Glu273Ala). This variant is present in population databases (no rsID available, gnomAD 0.01%). This variant has not been reported in the literature in individuals affected with DSG2-related conditions. ClinVar contains an entry for this variant (Variation ID: 1762334). Invitae Evidence Modeling of protein sequence and biophysical properties (such as structural, functional, and spatial information, amino acid conservation, physicochemical variation, residue mobility, and thermodynamic stability) indicates that this missense variant is not expected to disrupt DSG2 protein function with a negative predictive value of 95%. In summary, the available evidence is currently insufficient to determine the role of this variant in disease. Therefore, it has been classified as a Variant of Uncertain Significance.

Ambry Genetics
Classification: Uncertain significance for Cardiovascular phenotype. Last evaluated: 2019-09-04. Review status: criteria provided, single submitter. Criteria: Ambry Variant Classification Scheme 2023. Collection method: clinical testing. Allele origin: germline.
Comment: The p.E273A variant (also known as c.818A>C), located in coding exon 7 of the DSG2 gene, results from an A to C substitution at nucleotide position 818. The glutamic acid at codon 273 is replaced by alanine, an amino acid with dissimilar properties. This amino acid position is well conserved in available vertebrate species; however, alanine is the reference amino acid in other vertebrate species. In addition, this alteration is predicted to be tolerated by in silico analysis. Since supporting evidence is limited at this time, the clinical significance of this alteration remains unclear.

NM_001943.5(DSG2):c.818A>C (p.Glu273Ala)

Gene: DSG2 (desmoglein 2; plus strand). Cytogenetic location: 18q12.1.
Variant type: single nucleotide variant.
Coding change: c.818A>C on transcript NM_001943.5 (MANE Select); coding-DNA position 818, A replaced by C.
Protein change: p.Glu273Ala; replaces glutamic acid 273 with alanine.
Molecular consequence: missense variant.
Genome position (GRCh38, 1-based): chr18:31,524,575, A>C. VCF-style: chr18-31524575-A-C. GRCh37 (hg19) VCF-style: chr18-29104538-A-C.
Other names: short protein forms E273A.
Identifiers: ClinVar variation 1762334 (VCV001762334.5), dbSNP rs1378917051, ClinGen allele CA402135282.
Genomic context (GRCh38, chr18:31,524,575, plus strand): 5'-TAAAACAAGCTCAAGTTCAGATTCGTATTTTGGATGTCAATGACAATATACCTGTAGTAG[A>C]AAATAAAGTGGTAACTATTATTCTTCTAATAACTGTACCTATTTATTTATATTTCAGTCC-3'
Protein context (NP_001934.2, residues 263-283): LDVNDNIPVV[Glu273Ala]NKVLEGMVEE